The following is an entry in ClinVar:

ClinVar aggregate classification (germline): Uncertain significance (1 of 4 stars; one submission).

Conditions:
Inborn genetic diseases. Identifiers: MedGen C0950123, MeSH D030342.

Allele frequency attached by ClinVar (database versions not stated): TOPMed below 0.00001.

Submission:

Ambry Genetics
Classification: Uncertain significance for Inborn genetic diseases. Last evaluated: 2023-06-28. Review status: criteria provided, single submitter. Criteria: Ambry Variant Classification Scheme 2023. Collection method: clinical testing. Allele origin: germline.
Comment: The p.K80T variant (also known as c.239A>C), located in coding exon 3 of the RAD51 gene, results from an A to C substitution at nucleotide position 239. The lysine at codon 80 is replaced by threonine, an amino acid with similar properties. This amino acid position is conserved. In addition, the in silico prediction for this alteration is inconclusive. Since supporting evidence is limited at this time, the clinical significance of this alteration remains unclear.

NM_002875.5(RAD51):c.239A>C (p.Lys80Thr)

Gene: RAD51 (RAD51 recombinase; plus strand). Cytogenetic location: 15q15.1.
Variant type: single nucleotide variant.
Coding change: c.239A>C on transcript NM_002875.5 (MANE Select); coding-DNA position 239, A replaced by C.
Protein change: p.Lys80Thr; replaces lysine 80 with threonine.
Molecular consequence: missense variant. On other transcripts: intron variant (2).
Genome position (GRCh38, 1-based): chr15:40,706,190, A>C. VCF-style: chr15-40706190-A-C. GRCh37 (hg19) VCF-style: chr15-40998388-A-C.
Other names: c.239A>C, p.Lys80Thr (NM_001164270.2); c.347-2835A>C (NM_133487.4, NM_001164269.2); short protein forms K80T.
Identifiers: ClinVar variation 2585946 (VCV002585946.2), dbSNP rs751930241, ClinGen allele CA391749348.
Genomic context (GRCh38, chr15:40,706,190, plus strand): 5'-GGTAAGGAATATTATTTTGTTGATTTAATATTTCTTATTTTTCCCAGGCTGAGGCAGCTA[A>C]ATTAGTTCCAATGGGTTTCACCACTGCAACTGAATTCCACCAAAGGCGGTCAGAGATCAT-3'
Protein context (NP_002866.2, residues 70-90): KADKILAEAA[Lys80Thr]LVPMGFTTAT